The following is an entry in ClinVar:

NM_001256864.2(DNAJC6):c.1113+3A>G

Gene: DNAJC6 (DnaJ heat shock protein family (Hsp40) member C6; plus strand). Cytogenetic location: 1p31.3.
Variant type: single nucleotide variant.
Coding change: c.1113+3A>G on transcript NM_001256864.2 (MANE Select); 3 bases into the intron after coding-DNA position 1113, A replaced by G.
Molecular consequence: intron variant.
Genome position (GRCh38, 1-based): chr1:65,386,932, A>G. VCF-style: chr1-65386932-A-G. GRCh37 (hg19) VCF-style: chr1-65852615-A-G.
Other names: c.903+3A>G (NM_001256865.2); c.942+3A>G (NM_014787.4).
Identifiers: ClinVar variation 3360463 (VCV003360463.1).

ClinVar aggregate classification (germline): Uncertain significance (1 of 4 stars; one submission).

gnomAD v4.1: 4 of 1,611,656 alleles (0.00025%); highest among the groups gnomAD compares: Non-Finnish European, 0.00034%; no homozygotes.

Submission:

GeneDx
Classification: Uncertain significance. Last evaluated: 2023-06-29. Review status: criteria provided, single submitter. Criteria: GeneDx Variant Classification Process June 2021. Collection method: clinical testing. Allele origin: germline. Affected: yes.
Comment: In silico analysis suggests this variant may impact gene splicing; in the absence of RNA/functional studies the actual effect of this sequence change is unknown; Has not been previously published as pathogenic or benign to our knowledge